The following is an entry in ClinVar:

NM_002519.3(NPAT):c.2564C>G (p.Ala855Gly)

Gene: NPAT (nuclear protein, coactivator of histone transcription; minus strand). Cytogenetic location: 11q22.3.
Variant type: single nucleotide variant.
Coding change: c.2564C>G on transcript NM_002519.3 (MANE Select); coding-DNA position 2564, C replaced by G.
Protein change: p.Ala855Gly; replaces alanine 855 with glycine.
Molecular consequence: missense variant.
Genome position (GRCh38, 1-based): chr11:108,172,420, G>C on the plus strand (C>G on the coding strand, the complement: NPAT is on the minus strand). VCF-style: chr11-108172420-G-C. GRCh37 (hg19) VCF-style: chr11-108043147-G-C.
Other names: c.2564C>G, p.Ala855Gly (NM_001321307.1); short protein forms A855G.
Identifiers: ClinVar variation 1793147 (VCV001793147.2), dbSNP rs1384129938, ClinGen allele CA382512706.

ClinVar aggregate classification (germline): Uncertain significance (1 of 4 stars; one submission).

Submission:

Ambry Genetics
Classification: Uncertain significance. Last evaluated: 2022-10-12. Review status: criteria provided, single submitter. Criteria: Ambry Variant Classification Scheme 2023. Collection method: clinical testing. Allele origin: germline.
Comment: The p.A855G variant (also known as c.2564C>G), located in coding exon 13 of the NPAT gene, results from a C to G substitution at nucleotide position 2564. The alanine at codon 855 is replaced by glycine, an amino acid with similar properties. This amino acid position is conserved. In addition, this alteration is predicted to be tolerated by in silico analysis. Since supporting evidence is limited at this time, the clinical significance of this alteration remains unclear.